The following is an entry in ClinVar:

ClinVar aggregate classification (germline): Benign/Likely benign. Review status: criteria provided, multiple submitters, no conflicts (2 of 4 stars). 6 submissions from 6 submitters: Benign (2); Likely benign (3). 1 of the submissions does not count toward it. Last evaluated 2026-09-01.

Conditions:
Inborn genetic diseases. Identifiers: MedGen C0950123, MeSH D030342.

Allele frequency attached by ClinVar (database versions not stated): 1000 Genomes Project 0.00519; 1000 Genomes Project 30x 0.00609; gnomAD 0.00921; TOPMed 0.00941; ExAC 0.01036; gnomAD exomes 0.01087; ESP Exome Variant Server 0.01107.
gnomAD v4.1: 20,059 of 1,614,118 alleles (1.2%); highest among the groups gnomAD compares: Non-Finnish European, 1.4%; 139 homozygotes.

Submissions (6):

CeGaT Center for Human Genetics Tuebingen
Classification: Benign. Last evaluated: 2026-09-01. Review status: criteria provided, single submitter. Criteria: CeGaT Center For Human Genetics Tuebingen Variant Classification Criteria Version 2. Collection method: clinical testing. Allele origin: germline. Affected: yes. Observed: 60 variant alleles.
Comment: TRAPPC9: BP4, BP7, BS1, BS2

Labcorp Genetics (formerly Invitae), Labcorp
Classification: Benign. Last evaluated: 2026-02-03. Review status: criteria provided, single submitter. Criteria: Invitae Variant Classification Sherloc (09022015). Collection method: clinical testing. Allele origin: germline.

GeneDx
Classification: Likely benign. Last evaluated: 2021-02-19. Review status: criteria provided, single submitter. Criteria: GeneDx Variant Classification Process June 2021. Collection method: clinical testing. Allele origin: germline. Affected: yes.

Ambry Genetics
Classification: Likely benign for Inborn genetic diseases. Last evaluated: 2016-07-14. Review status: criteria provided, single submitter. Criteria: Ambry Variant Classification Scheme 2023. Collection method: clinical testing. Allele origin: germline.

Breakthrough Genomics
Classification: Likely benign. Review status: criteria provided, single submitter. Criteria: ACMG Guidelines, 2015. Collection method: not provided. Allele origin: germline. Inheritance: Autosomal recessive inheritance. Affected: yes.

Genetic Services Laboratory, University of Chicago
Classification: Likely benign for AllHighlyPenetrant. Review status: no assertion criteria provided. Collection method: clinical testing. Allele origin: germline. Inheritance: Autosomal recessive inheritance. Not counted in ClinVar's aggregate classification.
Comment: Likely benign based on allele frequency in 1000 Genomes Project or ESP global frequency and its presence in a patient with a rare or unrelated disease phenotype. NOT Sanger confirmed.

NM_001160372.4(TRAPPC9):c.456C>T (p.Ile152=)

Gene: TRAPPC9 (trafficking protein particle complex subunit 9; minus strand). Cytogenetic location: 8q24.3.
Variant type: single nucleotide variant.
Coding change: c.456C>T on transcript NM_001160372.4 (MANE Select); coding-DNA position 456, C replaced by T.
Protein change: p.Ile152=; no amino-acid change (isoleucine 152 retained).
Molecular consequence: synonymous variant. On other transcripts: non-coding transcript variant (1).
Genome position (GRCh38, 1-based): chr8:140,450,918, G>A on the plus strand (C>T on the coding strand, the complement: TRAPPC9 is on the minus strand). VCF-style: chr8-140450918-G-A. GRCh37 (hg19) VCF-style: chr8-141461017-G-A.
Other names: c.456C>T, p.Ile152= (NM_001321646.2, NM_001374682.1, NM_001374683.1 and 2 more transcripts).
Identifiers: ClinVar variation 130641 (VCV000130641.50), dbSNP rs61740786, ClinGen allele CA155809.